The following is an entry in ClinVar:

ClinVar aggregate classification (germline): Uncertain significance (1 of 4 stars; one submission).

Conditions:
PKD1-related disorder. Also called: PKD1-related condition.

gnomAD v4.1: 3 of 1,612,102 alleles (0.00019%); highest among the groups gnomAD compares: African/African-American, 0.0027%; no homozygotes.

Submission:

PreventionGenetics, part of Exact Sciences
Classification: Uncertain significance for PKD1-related condition. Last evaluated: 2026-06-08. Review status: criteria provided, single submitter. Criteria: ACMG Guidelines, 2015. Collection method: clinical testing. Allele origin: germline.
Comment: The PKD1 c.12116C>G variant is predicted to result in the amino acid substitution p.Ala4039Gly. To our knowledge, this variant has not been reported in the literature. This variant is reported in 0.0041% of alleles in individuals of African descent in gnomAD. At this time, the clinical significance of this variant is uncertain due to the absence of conclusive functional and genetic evidence.

NM_001009944.3(PKD1):c.12116C>G (p.Ala4039Gly)

Gene: PKD1 (polycystin 1, transient receptor potential channel interacting; minus strand). Cytogenetic location: 16p13.3.
Variant type: single nucleotide variant.
Coding change: c.12116C>G on transcript NM_001009944.3 (MANE Select); coding-DNA position 12116, C replaced by G.
Protein change: p.Ala4039Gly; replaces alanine 4039 with glycine.
Molecular consequence: missense variant.
Genome position (GRCh38, 1-based): chr16:2,090,696, G>C on the plus strand (C>G on the coding strand, the complement: PKD1 is on the minus strand). VCF-style: chr16-2090696-G-C. GRCh37 (hg19) VCF-style: chr16-2140697-G-C.
Other names: c.12113C>G, p.Ala4038Gly (NM_000296.4); short protein forms A4038G, A4039G.
Identifiers: ClinVar variation 4985232 (VCV004985232.1).